The following is an entry in ClinVar:

ClinVar aggregate classification (germline): Likely benign. Review status: criteria provided, multiple submitters, no conflicts (2 of 4 stars). 4 submissions from 4 submitters: Likely benign (3). 1 of the submissions does not count toward it. Last evaluated 2025-11-08.

Conditions:
OSBPL2-related disorder. Also called: OSBPL2-related condition.

Allele frequency attached by ClinVar (database versions not stated): gnomAD exomes 0.00003 and 0.00011; gnomAD 0.00005 and 0.00007; ExAC 0.00009; TOPMed 0.00010; 1000 Genomes Project 30x 0.00031; 1000 Genomes Project 0.00040.
gnomAD v4.1: 81 of 1,614,214 alleles (0.005%); highest among the groups gnomAD compares: East Asian, 0.098%; no homozygotes.

Submissions (4):

Labcorp Genetics (formerly Invitae), Labcorp
Classification: Likely benign. Last evaluated: 2025-11-08. Review status: criteria provided, single submitter. Criteria: Invitae Variant Classification Sherloc (09022015). Collection method: clinical testing. Allele origin: germline.

Blueprint Genetics
Classification: Likely benign. Last evaluated: 2024-11-08. Review status: criteria provided, single submitter. Criteria: ACMG Guidelines, 2015. Collection method: clinical testing. Allele origin: germline.

GeneDx
Classification: Likely benign. Last evaluated: 2020-09-28. Review status: criteria provided, single submitter. Criteria: GeneDx Variant Classification Process June 2021. Collection method: clinical testing. Allele origin: germline. Affected: yes.

PreventionGenetics, part of Exact Sciences
Classification: Likely benign for OSBPL2-related condition. Last evaluated: 2019-07-30. Review status: no assertion criteria provided. Collection method: clinical testing. Allele origin: germline. Not counted in ClinVar's aggregate classification.
Comment: This variant is classified as likely benign based on ACMG/AMP sequence variant interpretation guidelines (Richards et al. 2015 PMID: 25741868, with internal and published modifications).

NM_144498.4(OSBPL2):c.660C>T (p.Thr220=)

Gene: OSBPL2 (oxysterol binding protein like 2; plus strand). Cytogenetic location: 20q13.33.
Variant type: single nucleotide variant.
Coding change: c.660C>T on transcript NM_144498.4 (MANE Select); coding-DNA position 660, C replaced by T.
Protein change: p.Thr220=; no amino-acid change (threonine 220 retained).
Molecular consequence: synonymous variant.
Genome position (GRCh38, 1-based): chr20:62,279,325, C>T. VCF-style: chr20-62279325-C-T. GRCh37 (hg19) VCF-style: chr20-60854381-C-T.
Other names: c.384C>T, p.Thr128= (NM_001278649.3, NM_001363878.2); c.624C>T, p.Thr208= (NM_014835.5).
Identifiers: ClinVar variation 515079 (VCV000515079.16), dbSNP rs573839503, ClinGen allele CA9938521.